The following is an entry in ClinVar:

ClinVar aggregate classification (germline): Uncertain significance (1 of 4 stars; one submission).

Conditions:
Candidiasis, familial, 6 (CANDF6). Also called: Candidiasis, familial, 6, autosomal dominant. Identifiers: Orphanet 1334, MedGen C3151405, MONDO:0013503, OMIM 613956.

Submission:

Labcorp Genetics (formerly Invitae), Labcorp
Classification: Uncertain significance for Candidiasis, familial, 6. Last evaluated: 2024-11-03. Review status: criteria provided, single submitter. Criteria: Invitae Variant Classification Sherloc (09022015). Collection method: clinical testing. Allele origin: germline.
Comment: This sequence change replaces arginine, which is basic and polar, with glycine, which is neutral and non-polar, at codon 92 of the IL17F protein (p.Arg92Gly). This variant is present in population databases (no rsID available, gnomAD 0.003%). This variant has not been reported in the literature in individuals affected with IL17F-related conditions. An algorithm developed to predict the effect of missense changes on protein structure and function (PolyPhen-2) suggests that this variant is likely to be disruptive. In summary, the available evidence is currently insufficient to determine the role of this variant in disease. Therefore, it has been classified as a Variant of Uncertain Significance.

NM_052872.4(IL17F):c.274C>G (p.Arg92Gly)

Gene: IL17F (interleukin 17F; minus strand). Cytogenetic location: 6p12.2.
Variant type: single nucleotide variant.
Coding change: c.274C>G on transcript NM_052872.4 (MANE Select); coding-DNA position 274, C replaced by G.
Protein change: p.Arg92Gly; replaces arginine 92 with glycine.
Molecular consequence: missense variant.
Genome position (GRCh38, 1-based): chr6:52,237,149, G>C on the plus strand (C>G on the coding strand, the complement: IL17F is on the minus strand). VCF-style: chr6-52237149-G-C. GRCh37 (hg19) VCF-style: chr6-52101947-G-C.
Other names: short protein forms R92G.
Identifiers: ClinVar variation 3614462 (VCV003614462.2).